The following is an entry in ClinVar:

NM_020693.4(DSCAML1):c.5278C>T (p.Arg1760Cys)

Gene: DSCAML1 (DS cell adhesion molecule like 1; minus strand). Cytogenetic location: 11q23.3.
Variant type: single nucleotide variant.
Coding change: c.5278C>T on transcript NM_020693.4 (MANE Select); coding-DNA position 5278, C replaced by T.
Protein change: p.Arg1760Cys; replaces arginine 1760 with cysteine.
Molecular consequence: missense variant.
Genome position (GRCh38, 1-based): chr11:117,431,630, G>A on the plus strand (C>T on the coding strand, the complement: DSCAML1 is on the minus strand). VCF-style: chr11-117431630-G-A. GRCh37 (hg19) VCF-style: chr11-117302346-G-A.
Other names: short protein forms R1760C.
Identifiers: ClinVar variation 1937359 (VCV001937359.5), dbSNP rs766912277, ClinGen allele CA6296114.

ClinVar aggregate classification (germline): Uncertain significance (1 of 4 stars; one submission).

Allele frequency attached by ClinVar (database versions not stated): ExAC 0.00002; gnomAD 0.00003; TOPMed 0.00003.
gnomAD v4.1: 39 of 1,613,338 alleles (0.0024%); highest among the groups gnomAD compares: East Asian, 0.011%; no homozygotes.

Submission:

Labcorp Genetics (formerly Invitae), Labcorp
Classification: Uncertain significance. Last evaluated: 2023-12-21. Review status: criteria provided, single submitter. Criteria: Invitae Variant Classification Sherloc (09022015). Collection method: clinical testing. Allele origin: germline.
Comment: This sequence change replaces arginine, which is basic and polar, with cysteine, which is neutral and slightly polar, at codon 1820 of the DSCAML1 protein (p.Arg1820Cys). This variant is present in population databases (rs766912277, gnomAD 0.005%). This variant has not been reported in the literature in individuals affected with DSCAML1-related conditions. ClinVar contains an entry for this variant (Variation ID: 1937359). An algorithm developed to predict the effect of missense changes on protein structure and function (PolyPhen-2) suggests that this variant is likely to be disruptive. In summary, the available evidence is currently insufficient to determine the role of this variant in disease. Therefore, it has been classified as a Variant of Uncertain Significance.